The following is an entry in ClinVar:

ClinVar aggregate classification (germline): Benign/Likely benign. Review status: criteria provided, multiple submitters, no conflicts (2 of 4 stars). 17 submissions from 17 submitters: Benign (5); Likely benign (8). 4 of the submissions do not count toward it. Last evaluated 2026-07-01.

Conditions:
Kidney disorder. Also called: Kidney disease; Kidney Diseases; renal disorder; renal disease; Nephropathy. Identifiers: MedGen C0022658, MONDO:0005240, HP:0000112.
Benign familial hematuria. Also called: thin basement membrane disease. Identifiers: MedGen C0241908, MONDO:0957317.
Autosomal dominant Alport syndrome (ATS3A). Also called: Alport syndrome dominant type; Renal failure and sensorineural hearing loss; ALPORT SYNDROME 3A, AUTOSOMAL DOMINANT. Identifiers: Orphanet 63, Orphanet 88918, MedGen C5882663, MONDO:0007086, OMIM 104200.
Autosomal recessive Alport syndrome (ATS2). Also called: COL4A3-Related Nephropathy; Alport syndrome type 2; COL4A4 Alport Syndrome and Thin Basement Membrane Nephropathy; ALPORT SYNDROME 2, AUTOSOMAL RECESSIVE. Identifiers: Orphanet 63, Orphanet 88919, MedGen C4746745, MONDO:0008762, OMIM 203780.
Alport syndrome. Also called: Hemorrhagic familial nephritis; Hemorrhagic hereditary nephritis; Congenital hereditary hematuria. Identifiers: Orphanet 63, MedGen C1567741, MONDO:0018965.

Allele frequency attached by ClinVar (database versions not stated): 1000 Genomes Project 30x 0.00219; 1000 Genomes Project 0.00260; TOPMed 0.00562; gnomAD 0.00568 and 0.00573; gnomAD exomes 0.00629 and 0.00965; ExAC 0.00677; ESP Exome Variant Server 0.00728.
gnomAD v4.1: 14,772 of 1,614,128 alleles (0.92%); highest among the groups gnomAD compares: Non-Finnish European, 1.1%; 82 homozygotes.

Submissions (17):

CeGaT Center for Human Genetics Tuebingen
Classification: Benign. Last evaluated: 2026-07-01. Review status: criteria provided, single submitter. Criteria: CeGaT Center For Human Genetics Tuebingen Variant Classification Criteria Version 2. Collection method: clinical testing. Allele origin: germline. Affected: yes. Observed: 18 variant alleles.
Comment: COL4A3: BS1, BS2

Labcorp Genetics (formerly Invitae), Labcorp
Classification: Benign. Last evaluated: 2026-02-04. Review status: criteria provided, single submitter. Criteria: Invitae Variant Classification Sherloc (09022015). Collection method: clinical testing. Allele origin: germline.

Genomic Medicine Center of Excellence, King Faisal Specialist Hospital and Research Centre
Classification: Likely benign. Last evaluated: 2025-08-18. Review status: criteria provided, single submitter. Criteria: ACMG Guidelines, 2015. Collection method: clinical testing. Allele origin: germline.

Blueprint Genetics
Classification: Likely benign. Last evaluated: 2024-11-19. Review status: criteria provided, single submitter. Criteria: ACMG Guidelines, 2015. Collection method: clinical testing. Allele origin: germline.

Mayo Clinic Laboratories, Mayo Clinic
Classification: Benign. Last evaluated: 2023-02-14. Review status: criteria provided, single submitter. Criteria: ACMG Guidelines, 2015. Collection method: clinical testing. Allele origin: germline. Observed: 7 variant alleles.
Comment: BS1, BS2, BS4

Fulgent Genetics
Classification: Likely benign for Autosomal dominant Alport syndrome; Hematuria, benign familial, 1; Autosomal recessive Alport syndrome. Last evaluated: 2022-04-06. Review status: criteria provided, single submitter. Criteria: ACMG Guidelines, 2015. Collection method: clinical testing. Allele origin: unknown.

Women's Health and Genetics/Laboratory Corporation of America, LabCorp
Classification: Likely benign. Last evaluated: 2021-03-30. Review status: criteria provided, single submitter. Criteria: LabCorp Variant Classification Summary - May 2015. Collection method: clinical testing. Allele origin: germline.
Comment: Variant summary: COL4A3 c.4484A>G (p.Gln1495Arg) results in a conservative amino acid change located in the Collagen IV, non-collagenous domain (IPR001442) of the encoded protein sequence. Three of five in-silico tools predict a benign effect of the variant on protein function. The variant allele was found at a frequency of 0.0063 in 249324 control chromosomes in the gnomAD database, including 9 homozygotes. The observed variant frequency is approximately 3.2 fold of the estimated maximal expected allele frequency for a pathogenic variant in COL4A3 causing Alport Syndrome, Autosomal Recessive phenotype (0.0019), strongly suggesting that the variant is benign. At-least one publication reports c.4484A>G with incomplete segregation, variable penetrance and non-informative phenotypes ranging from type-I diabetes, focal segmental glomerulosclerosis, microscopic hematuria, with normal renal function, normal hearing and no ocular abnormalities among in individuals in a family reportedly diagnosed with Alport Syndrome (Choi_2019). Furthermore, the variant did not segregate in an autosomal recessive manner in this family and the authors suggest a possible digenic association of this variant with another variant in the COL4A5 gene. No conclusions can be drawn from these data and this report does not provide unequivocal evidence supporting an association of this variant with Alport syndrome. To our knowledge, no experimental evidence demonstrating an impact on protein function has been reported. Four clinical diagnostic laboratories have submitted clinical-significance assessments for this variant to ClinVar after 2014 without evidence for independent evaluation. All laboratories classified the variant as benign (n=2)/likely benign (n=2). None of the submitters has cited the report utilized in the context of this evaluation. Based on the evidence outlined above, the variant was classified as likely benign.

Genome Diagnostics Laboratory, The Hospital for Sick Children
Classification: Likely benign for Kidney disorder. Last evaluated: 2020-04-01. Review status: criteria provided, single submitter. Criteria: ACMG Guidelines, 2015. Collection method: clinical testing. Allele origin: germline.

GeneDx
Classification: Benign. Last evaluated: 2019-01-30. Review status: criteria provided, single submitter. Criteria: GeneDx Variant Classification Process June 2021. Collection method: clinical testing. Allele origin: germline. Affected: yes.
Comment: This variant is associated with the following publications: (PMID: 17216251, 19525337, 14582039, 30661074, 12028435, 14871398, 30467950)

Illumina Laboratory Services, Illumina
Classification: Benign for Alport syndrome. Last evaluated: 2017-04-27. Review status: criteria provided, single submitter. Criteria: ICSL Variant Classification Criteria 13 December 2019. Collection method: clinical testing. Allele origin: germline.
Comment: This variant was observed as part of a predisposition screen in an ostensibly healthy population. A literature search was performed for the gene, cDNA change, and amino acid change (where applicable). Publications were found based on this search. The evidence from the literature, in combination with allele frequency data from public databases where available, was sufficient to rule this variant out of causing disease. Therefore, this variant is classified as benign.

Laboratory for Molecular Medicine, Mass General Brigham Personalized Medicine
Classification: Likely benign. Last evaluated: 2016-03-21. Review status: criteria provided, single submitter. Criteria: LMM Criteria. Collection method: clinical testing. Allele origin: germline. Observed: 4 variant alleles.
Comment: p.Gln1495Arg in exon 49 of COL4A3: This variant is not expected to have clinical significance because it has been identified in 1.01% (671/66718) of European ch romosomes by the Exome Aggregation Consortium (ExAC. org; dbSNP rs77964815).

Breakthrough Genomics
Classification: Likely benign. Review status: criteria provided, single submitter. Criteria: ACMG Guidelines, 2015. Collection method: not provided. Allele origin: germline. Inheritance: Autosomal recessive inheritance. Affected: yes.

PreventionGenetics, part of Exact Sciences
Classification: Likely benign. Review status: criteria provided, single submitter. Criteria: ACMG Guidelines, 2015. Collection method: clinical testing. Allele origin: germline.

Genetic Services Laboratory, University of Chicago
Classification: Likely benign. Last evaluated: 2022-05-27. Review status: no assertion criteria provided. Collection method: clinical testing. Allele origin: germline. Affected: no. Not counted in ClinVar's aggregate classification.

Clinical Genetics DNA and cytogenetics Diagnostics Lab, Erasmus MC, Erasmus Medical Center
Classification: Likely benign. Review status: no assertion criteria provided. Collection method: clinical testing. Allele origin: germline. Affected: yes. Study: VKGL Data-share Consensus. Not counted in ClinVar's aggregate classification.

Genome Diagnostics Laboratory, University Medical Center Utrecht
Classification: Likely benign. Review status: no assertion criteria provided. Collection method: clinical testing. Allele origin: germline. Affected: yes. Study: VKGL Data-share Consensus. Not counted in ClinVar's aggregate classification.

Joint Genome Diagnostic Labs from Nijmegen and Maastricht, Radboudumc and MUMC+
Classification: Likely benign. Review status: no assertion criteria provided. Collection method: clinical testing. Allele origin: germline. Affected: yes. Study: VKGL Data-share Consensus. Not counted in ClinVar's aggregate classification.

Literature cited by the submitters: PubMed 12028435 (cited by Mayo Clinic Laboratories, Mayo Clinic and Illumina Laboratory Services, Illumina); PubMed 14871398 (cited by Mayo Clinic Laboratories, Mayo Clinic and Illumina Laboratory Services, Illumina); PubMed 30661074 (cited by Mayo Clinic Laboratories, Mayo Clinic and Women's Health and Genetics/Laboratory Corporation of America, LabCorp); PubMed 34426522 (cited by Mayo Clinic Laboratories, Mayo Clinic); PubMed 9195222 (cited by Mayo Clinic Laboratories, Mayo Clinic); PubMed 27627812 (cited by Illumina Laboratory Services, Illumina); PubMed 19525337 (cited by Illumina Laboratory Services, Illumina); PubMed 14582039 (cited by Illumina Laboratory Services, Illumina); PubMed 17216251 (cited by Illumina Laboratory Services, Illumina); PubMed 15880327 (cited by Illumina Laboratory Services, Illumina).

NM_000091.5(COL4A3):c.4484A>G (p.Gln1495Arg)

Genes: COL4A3 (collagen type IV alpha 3 chain; plus strand), MFF-DT (MFF divergent transcript; minus strand). Cytogenetic location: 2q36.3.
Variant type: single nucleotide variant.
Coding change: c.4484A>G on transcript NM_000091.5 (MANE Select); coding-DNA position 4484, A replaced by G.
Protein change: p.Gln1495Arg; replaces glutamine 1495 with arginine.
Molecular consequence: missense variant.
Genome position (GRCh38, 1-based): chr2:227,308,920, A>G. VCF-style: chr2-227308920-A-G. GRCh37 (hg19) VCF-style: chr2-228173636-A-G.
Other names: short protein forms Q1495R.
Identifiers: ClinVar variation 254998 (VCV000254998.63), dbSNP rs77964815, ClinGen allele CA2147562.